The following is an entry in ClinVar:

NM_000440.3(PDE6A):c.1065+2T>A

Gene: PDE6A (phosphodiesterase 6A; minus strand). Cytogenetic location: 5q32.
Variant type: single nucleotide variant.
Coding change: c.1065+2T>A on transcript NM_000440.3 (MANE Select); the canonical splice donor site of the intron after coding-DNA position 1065, T replaced by A.
Molecular consequence: splice donor variant.
Genome position (GRCh38, 1-based): chr5:149,907,310, A>T on the plus strand (T>A on the coding strand, the complement: PDE6A is on the minus strand). VCF-style: chr5-149907310-A-T. GRCh37 (hg19) VCF-style: chr5-149286873-A-T.
Other names: c.822+2T>A (NM_001410788.1).
Identifiers: ClinVar variation 444666 (VCV000444666.53), dbSNP rs1554090012, ClinGen allele CA361698740.
Genomic context (GRCh38, chr5:149,907,310, plus strand): 5'-ATCCTTCCACTCTTTCTTCCACGTGATCCAAAACTCTCCCCCTTCAAAGTTATATTACTT[A>T]CCAGGCCATTCTGGGCAACATAAGCTGGGAGACCGCTTACTAAAGCCCAATGGTCAGGAG-3'

ClinVar aggregate classification (germline): Pathogenic/Likely pathogenic. Review status: criteria provided, multiple submitters, no conflicts (2 of 4 stars). 4 submissions from 4 submitters: Pathogenic (2); Likely pathogenic (2). Last evaluated 2020-12-02.

Conditions:
PDE6A-related disorder. Also called: PDE6A-related condition.
Retinitis pigmentosa (RP). Identifiers: Orphanet 791, MedGen C0035334, MeSH D012174, MONDO:0019200, OMIM 268000. Inheritance: Autosomal dominant, autosomal recessive and X linked inheritance.

Allele frequency attached by ClinVar (database versions not stated): gnomAD exomes below 0.00001.
gnomAD v4.1: 4 of 1,609,914 alleles (0.00025%); highest among the groups gnomAD compares: Non-Finnish European, 0.00034%; no homozygotes.

Submissions (4):

Labcorp Genetics (formerly Invitae), Labcorp
Classification: Pathogenic. Last evaluated: 2020-12-02. Review status: criteria provided, single submitter. Criteria: Invitae Variant Classification Sherloc (09022015). Collection method: clinical testing. Allele origin: germline.
Comment: For these reasons, this variant has been classified as Pathogenic. This variant has been observed in individual(s) with inherited retinal dystrophy (PMID: 30998820). In at least one individual the data is consistent with the variant being in trans (on the opposite chromosome) from a pathogenic variant. ClinVar contains an entry for this variant (Variation ID: 444666). This variant is not present in population databases (ExAC no frequency). This sequence change affects a donor splice site in intron 7 of the PDE6A gene. It is expected to disrupt RNA splicing. Variants that disrupt the donor or acceptor splice site typically lead to a loss of protein function (PMID: 16199547), and loss-of-function variants in PDE6A are known to be pathogenic (PMID: 7493036, 22128245, 23847139).

Molecular Genetics Laboratory, Institute for Ophthalmic Research
Classification: Pathogenic for Retinitis pigmentosa. Last evaluated: 2020-01-09. Review status: criteria provided, single submitter. Criteria: ACMG Guidelines, 2015. Collection method: research. Allele origin: germline. Affected: yes.

Blueprint Genetics
Classification: Likely pathogenic for PDE6A-related disorders. Last evaluated: 2019-01-23. Review status: criteria provided, single submitter. Criteria: ACMG Guidelines, 2015. Collection method: clinical testing. Allele origin: germline. Affected: yes. Observed: 1 variant allele.

CeGaT Center for Human Genetics Tuebingen
Classification: Likely pathogenic. Last evaluated: 2017-04-01. Review status: criteria provided, single submitter. Criteria: CeGaT Center For Human Genetics Tuebingen Variant Classification Criteria Version 2. Collection method: clinical testing. Allele origin: germline. Affected: yes. Observed: 1 variant allele.

Literature cited by the submitters: PubMed 30998820 (cited by Labcorp Genetics (formerly Invitae), Labcorp); PubMed 16199547 (cited by Labcorp Genetics (formerly Invitae), Labcorp); PubMed 7493036 (cited by Labcorp Genetics (formerly Invitae), Labcorp); PubMed 22128245 (cited by Labcorp Genetics (formerly Invitae), Labcorp); PubMed 23847139 (cited by Labcorp Genetics (formerly Invitae), Labcorp).